The following is an entry in ClinVar:

NM_003242.6(TGFBR2):c.531A>G (p.Gly177=)

Gene: TGFBR2 (transforming growth factor beta receptor 2; plus strand). Cytogenetic location: 3p24.1.
Variant type: single nucleotide variant.
Coding change: c.531A>G on transcript NM_003242.6 (MANE Select); coding-DNA position 531, A replaced by G.
Protein change: p.Gly177=; no amino-acid change (glycine 177 retained).
Molecular consequence: synonymous variant. On other transcripts: intron variant (1).
Genome position (GRCh38, 1-based): chr3:30,671,714, A>G. VCF-style: chr3-30671714-A-G. GRCh37 (hg19) VCF-style: chr3-30713206-A-G.
Other names: c.606A>G, p.Gly202= (NM_001024847.3); c.714A>G, p.Gly238= (NM_001407126.1); c.639A>G, p.Gly213= (NM_001407127.1); c.558A>G, p.Gly186= (NM_001407128.1); c.534A>G, p.Gly178= (NM_001407129.1); c.531A>G, p.Gly177= (NM_001407130.1); c.426A>G, p.Gly142= (NM_001407132.1, NM_001407133.1, NM_001407134.1 and 2 more transcripts); c.246A>G, p.Gly82= (NM_001407137.1); and 3 more.
Identifiers: ClinVar variation 3070871 (VCV003070871.2), dbSNP rs2125433416, ClinGen allele CA432917540.

ClinVar aggregate classification (germline): Likely benign. Review status: criteria provided, multiple submitters, no conflicts (2 of 4 stars). 2 submissions from 2 submitters: Likely benign (2). Last evaluated 2026-06-09.

Conditions:
Familial thoracic aortic aneurysm and aortic dissection (TAAD). Also called: Thoracic aortic aneurysms and dissections. Identifiers: Orphanet 91387, MedGen C4707243, MONDO:0019625.
Loeys-Dietz syndrome 2 (LDS2). Also called: TGFBR2-Related Loeys-Dietz Syndrome; Marfan Syndrome type 2; Marfan like connective tissue disorder; MFS 2; AORTIC ANEURYSM, FAMILIAL THORACIC 3; MARFAN SYNDROME, TYPE II. Identifiers: Orphanet 284973, Orphanet 558, MedGen C2674574, MONDO:0012427, OMIM 610168.

Allele frequency attached by ClinVar (database versions not stated): gnomAD exomes below 0.00001.
gnomAD v4.1: 1 of 1,614,192 alleles (0.000062%); highest among the groups gnomAD compares: Non-Finnish European, 0.000085%; no homozygotes.

Submissions (2):

Ambry Genetics
Classification: Likely benign for Familial thoracic aortic aneurysm and aortic dissection. Last evaluated: 2026-06-09. Review status: criteria provided, single submitter. Criteria: Ambry Variant Classification Scheme 2023. Collection method: clinical testing. Allele origin: germline.

All of Us Research Program, National Institutes of Health
Classification: Likely benign for Loeys-Dietz syndrome 2. Last evaluated: 2023-05-04. Review status: criteria provided, single submitter. Criteria: ACMG Guidelines, 2015. Collection method: clinical testing. Allele origin: germline. Inheritance: Autosomal dominant inheritance. Observed: 1 variant allele, 1 heterozygote.
Comment: This study involves interpretation of variants in research participants for the purpose of population health screening. Participant phenotype was not available at the time of variant classification. Additional details can be found in publication PMID: 35346344, PMCID: PMC8962531